The following is an entry in ClinVar:

NM_172107.4(KCNQ2):c.1573T>A (p.Cys525Ser)

Gene: KCNQ2 (potassium voltage-gated channel subfamily Q member 2; minus strand). Cytogenetic location: 20q13.33.
Variant type: single nucleotide variant.
Coding change: c.1573T>A on transcript NM_172107.4 (MANE Select); coding-DNA position 1573, T replaced by A.
Protein change: p.Cys525Ser; replaces cysteine 525 with serine.
Molecular consequence: missense variant.
Genome position (GRCh38, 1-based): chr20:63,414,146, A>T on the plus strand (T>A on the coding strand, the complement: KCNQ2 is on the minus strand). VCF-style: chr20-63414146-A-T. GRCh37 (hg19) VCF-style: chr20-62045499-A-T.
Other names: p.C525S:TGC>AGC; c.1519T>A, p.Cys507Ser (NM_001382235.1, NM_172106.3); c.1516T>A, p.Cys506Ser (NM_001439003.1); c.1486T>A, p.Cys496Ser (NM_001439004.1); c.1489T>A, p.Cys497Ser (NM_004518.6); c.1480T>A, p.Cys494Ser (NM_172108.5); short protein forms C525S, C494S, C497S, C507S, C496S, C506S.
Identifiers: ClinVar variation 205907 (VCV000205907.10), dbSNP rs371162714, ClinGen allele CA315449.

ClinVar aggregate classification (germline): Uncertain significance. Review status: criteria provided, multiple submitters, no conflicts (2 of 4 stars). 4 submissions from 4 submitters: Uncertain significance (4). Last evaluated 2025-12-26.

Conditions:
Early-infantile DEE. Also called: Early infantile epileptic encephalopathy; Ohtahara syndrome; Early infantile epileptic encephalopathy with suppression bursts. Identifiers: Orphanet 1934, MedGen C0393706, MONDO:0800491.
Inborn genetic diseases. Identifiers: MedGen C0950123, MeSH D030342.

Allele frequency attached by ClinVar (database versions not stated): gnomAD 0.00001; ExAC 0.00002; ESP Exome Variant Server 0.00008; gnomAD exomes below 0.00001; TOPMed below 0.00001.
gnomAD v4.1: 6 of 1,613,538 alleles (0.00037%); no homozygotes.

Submissions (4):

Women's Health and Genetics/Laboratory Corporation of America, LabCorp
Classification: Uncertain significance. Last evaluated: 2025-12-26. Review status: criteria provided, single submitter. Criteria: LabCorp Variant Classification Summary - May 2015. Collection method: clinical testing. Allele origin: germline.
Comment: Variant summary: KCNQ2 c.1573T>A (p.Cys525Ser) results in a non-conservative amino acid change in the encoded protein sequence. Algorithms developed to predict the effect of missense changes on protein structure and function all suggest that this variant is likely to be disruptive. The variant allele was found at a frequency of 4e-06 in 248212 control chromosomes. The available data on variant occurrences in the general population are insufficient to allow any conclusion about variant significance. To our knowledge, no occurrence of c.1573T>A in individuals affected with KCNQ2-related conditions and no experimental evidence demonstrating its impact on protein function have been reported. ClinVar contains an entry for this variant (Variation ID: 205907). Based on the evidence outlined above, the variant was classified as uncertain significance.

Labcorp Genetics (formerly Invitae), Labcorp
Classification: Uncertain significance for Early-infantile DEE. Last evaluated: 2025-11-05. Review status: criteria provided, single submitter. Criteria: Invitae Variant Classification Sherloc (09022015). Collection method: clinical testing. Allele origin: germline.
Comment: This sequence change replaces cysteine, which is neutral and slightly polar, with serine, which is neutral and polar, at codon 525 of the KCNQ2 protein (p.Cys525Ser). This variant is present in population databases (rs371162714, gnomAD 0.02%). This variant has not been reported in the literature in individuals affected with KCNQ2-related conditions. ClinVar contains an entry for this variant (Variation ID: 205907). Invitae Evidence Modeling of protein sequence and biophysical properties (such as structural, functional, and spatial information, amino acid conservation, physicochemical variation, residue mobility, and thermodynamic stability) indicates that this missense variant is expected to disrupt KCNQ2 protein function with a positive predictive value of 95%. In summary, the available evidence is currently insufficient to determine the role of this variant in disease. Therefore, it has been classified as a Variant of Uncertain Significance.

Ambry Genetics
Classification: Uncertain significance for Inborn genetic diseases. Last evaluated: 2023-03-07. Review status: criteria provided, single submitter. Criteria: Ambry Variant Classification Scheme 2023. Collection method: clinical testing. Allele origin: germline.

GeneDx
Classification: Uncertain significance. Last evaluated: 2013-09-05. Review status: criteria provided, single submitter. Criteria: GeneDx Variant Classification (06012015). Collection method: clinical testing. Allele origin: germline. Affected: yes.
Comment: p.Cys525Ser (TGC>AGC): c.1573 T>A. The Cys525Ser missense change has not been published as a mutation, nor has it been reported as a benign polymorphism to our knowledge. This variant is a semi-conservative amino acid substitution as Cysteine and Serine are both uncharged amino acids; however, the removal of a Cysteine residue may affect disulfide bonding and secondary structure of the protein. The variant alters a highly conserved position in the C-terminal region of the protein, and other missense mutations in this region of the protein have been reported in association with benign familial neonatal seizures. However, in silico analysis is inconsistent with regard to the effect this variant may have on the protein structure/function. Therefore, based on the currently available information, it is unclear whether Cys525Ser is a disease-causing mutation or a rare benign variant. The variant is found in EPILEPSY panel(s).